The following is an entry in ClinVar:

NM_000260.4(MYO7A):c.5729_5735del (p.Asp1910fs)

Gene: MYO7A (myosin VIIA; plus strand). Cytogenetic location: 11q13.5.
Variant type: Deletion.
Coding change: c.5729_5735del on transcript NM_000260.4 (MANE Select); coding-DNA positions 5729 to 5735, 7 bases deleted (ATGACAC; older notation c.5729_5735delATGACAC).
Protein change: p.Asp1910fs; shifts the reading frame from aspartic acid 1910.
Molecular consequence: frameshift variant.
Genome position (GRCh38, 1-based): chr11:77,206,189-77,206,195, ATGACAC deleted. VCF-style (leftmost placement, unchanged base first): chr11-77206188-GATGACAC-G. GRCh37 (hg19) VCF-style: chr11-76917233-GATGACAC-G.
Other names: c.5615_5621del, p.Asp1872fs (NM_001127180.2); c.5582_5588del, p.Asp1861fs (NM_001369365.1); short protein forms D1910fs, D1872fs, D1861fs.
Identifiers: ClinVar variation 3676114 (VCV003676114.2).

ClinVar aggregate classification (germline): Pathogenic (1 of 4 stars; one submission).

Submission:

Labcorp Genetics (formerly Invitae), Labcorp
Classification: Pathogenic. Last evaluated: 2024-02-23. Review status: criteria provided, single submitter. Criteria: Invitae Variant Classification Sherloc (09022015). Collection method: clinical testing. Allele origin: germline.
Comment: This sequence change creates a premature translational stop signal (p.Asp1910Valfs*58) in the MYO7A gene. It is expected to result in an absent or disrupted protein product. Loss-of-function variants in MYO7A are known to be pathogenic (PMID: 8900236, 25404053). This variant is not present in population databases (gnomAD no frequency). This variant has not been reported in the literature in individuals affected with MYO7A-related conditions. For these reasons, this variant has been classified as Pathogenic.

Literature cited by the submitters: PubMed 8900236; PubMed 25404053.